The following is an entry in ClinVar:

NM_152383.5(DIS3L2):c.586T>G (p.Cys196Gly)

Gene: DIS3L2 (DIS3 like 3'-5' exoribonuclease 2; plus strand). Cytogenetic location: 2q37.1.
Variant type: single nucleotide variant.
Coding change: c.586T>G on transcript NM_152383.5 (MANE Select); coding-DNA position 586, T replaced by G.
Protein change: p.Cys196Gly; replaces cysteine 196 with glycine.
Molecular consequence: missense variant. On other transcripts: non-coding transcript variant (2).
Genome position (GRCh38, 1-based): chr2:232,087,706, T>G. VCF-style: chr2-232087706-T-G. GRCh37 (hg19) VCF-style: chr2-232952416-T-G.
Other names: c.586T>G, p.Cys196Gly (NM_001257281.2, NM_001257282.2); short protein forms C196G.
Identifiers: ClinVar variation 2695106 (VCV002695106.3), dbSNP rs1268041704, ClinGen allele CA351155303.

ClinVar aggregate classification (germline): Uncertain significance (1 of 4 stars; one submission).

Conditions:
Perlman syndrome (PRLMNS). Identifiers: Orphanet 2849, MedGen C0796113, MONDO:0009965, OMIM 267000.

Submission:

Labcorp Genetics (formerly Invitae), Labcorp
Classification: Uncertain significance for Perlman syndrome. Last evaluated: 2023-11-11. Review status: criteria provided, single submitter. Criteria: Invitae Variant Classification Sherloc (09022015). Collection method: clinical testing. Allele origin: germline.
Comment: This sequence change replaces cysteine, which is neutral and slightly polar, with glycine, which is neutral and non-polar, at codon 196 of the DIS3L2 protein (p.Cys196Gly). This variant is not present in population databases (gnomAD no frequency). This variant has not been reported in the literature in individuals affected with DIS3L2-related conditions. Algorithms developed to predict the effect of missense changes on protein structure and function output the following: SIFT: "Not Available"; PolyPhen-2: "Benign"; Align-GVGD: "Not Available". The glycine amino acid residue is found in multiple mammalian species, which suggests that this missense change does not adversely affect protein function. In summary, the available evidence is currently insufficient to determine the role of this variant in disease. Therefore, it has been classified as a Variant of Uncertain Significance.